The following is an entry in ClinVar:

NM_000384.3(APOB):c.9274A>G (p.Arg3092Gly)

Gene: APOB (apolipoprotein B; minus strand). Cytogenetic location: 2p24.1.
Variant type: single nucleotide variant.
Coding change: c.9274A>G on transcript NM_000384.3 (MANE Select); coding-DNA position 9274, A replaced by G.
Protein change: p.Arg3092Gly; replaces arginine 3092 with glycine.
Molecular consequence: missense variant.
Genome position (GRCh38, 1-based): chr2:21,007,594, T>C on the plus strand (A>G on the coding strand, the complement: APOB is on the minus strand). VCF-style: chr2-21007594-T-C. GRCh37 (hg19) VCF-style: chr2-21230466-T-C.
Other names: short protein forms R3092G.
Identifiers: ClinVar variation 3750770 (VCV003750770.2).
Genomic context (GRCh38, chr2:21,007,594, plus strand): 5'-CCATAATGTTCTCGTTGTTTCCAGCAGAGAAATTTTGGTTGTACTTATACTGATTGAACC[T>C]AGCACTTACTTGCCAACTTGCTTGCTGGGCACTGGGACTCAGAAACAGTGCATAGTTATT-3'
Protein context (NP_000375.3, residues 3082-3102): AQQASWQVSA[Arg3092Gly]FNQYKYNQNF

ClinVar aggregate classification (germline): Uncertain significance (1 of 4 stars; one submission).

Conditions:
Familial hypobetalipoproteinemia 1. Also called: APOB-Related Familial Hypobetalipoproteinemia; Hypobetalipoproteinemia, normotriglyceridemic; Acanthocytosis with hypobetalipoproteinemia. Identifiers: MedGen C4551990, MONDO:0014252, OMIM 615558.
Hypercholesterolemia, autosomal dominant, type B (FHCL2). Also called: Familial Hypercholesterolemia Type B; APOLIPOPROTEIN B-100, FAMILIAL DEFECTIVE; APOLIPOPROTEIN B-100, FAMILIAL LIGAND-DEFECTIVE; HYPERCHOLESTEROLEMIA, FAMILIAL, DUE TO LIGAND-DEFECTIVE APOLIPOPROTEIN B; Hyperlipoproteinemia Type IIb; Familial hypercholesterolemia 2. Identifiers: MedGen C1704417, MONDO:0007751, OMIM 144010.

Submission:

Labcorp Genetics (formerly Invitae), Labcorp
Classification: Uncertain significance for Familial hypobetalipoproteinemia 1; Hypercholesterolemia, autosomal dominant, type B. Last evaluated: 2026-01-14. Review status: criteria provided, single submitter. Criteria: Invitae Variant Classification Sherloc (09022015). Collection method: clinical testing. Allele origin: germline.
Comment: This sequence change replaces arginine, which is basic and polar, with glycine, which is neutral and non-polar, at codon 3092 of the APOB protein (p.Arg3092Gly). This variant is not present in population databases (gnomAD no frequency). This variant has not been reported in the literature in individuals affected with APOB-related conditions. ClinVar contains an entry for this variant (Variation ID: 3750770). Invitae Evidence Modeling of protein sequence and biophysical properties (such as structural, functional, and spatial information, amino acid conservation, physicochemical variation, residue mobility, and thermodynamic stability) indicates that this missense variant is not expected to disrupt APOB protein function with a negative predictive value of 95%. In summary, the available evidence is currently insufficient to determine the role of this variant in disease. Therefore, it has been classified as a Variant of Uncertain Significance.